The following is an entry in ClinVar:

ClinVar aggregate classification (germline): Conflicting classifications of pathogenicity. Review status: criteria provided, conflicting classifications (1 of 4 stars). 6 submissions from 6 submitters: Uncertain significance (1); Benign (1); Likely benign (4). Last evaluated 2026-01-01.

Conditions:
Inborn genetic diseases. Identifiers: MedGen C0950123, MeSH D030342.
Seckel syndrome 1 (SCKL1). Also called: MICROCEPHALIC PRIMORDIAL DWARFISM I. Identifiers: Orphanet 808, MedGen C4551474, MONDO:0008869, OMIM 210600.

Allele frequency attached by ClinVar (database versions not stated): gnomAD 0.00039 and 0.00021; 1000 Genomes Project 0.00180; TOPMed 0.00028; gnomAD exomes 0.00040 and 0.00058; ExAC 0.00087; 1000 Genomes Project 30x 0.00172.
gnomAD v4.1: 643 of 1,613,862 alleles (0.04%); highest among the groups gnomAD compares: East Asian, 1.1%; 9 homozygotes.

Submissions (6):

CeGaT Center for Human Genetics Tuebingen
Classification: Likely benign. Last evaluated: 2026-01-01. Review status: criteria provided, single submitter. Criteria: CeGaT Center For Human Genetics Tuebingen Variant Classification Criteria Version 2. Collection method: clinical testing. Allele origin: germline. Affected: yes. Observed: 6 variant alleles.
Comment: ATR: BP4, BP7, BS1

Labcorp Genetics (formerly Invitae), Labcorp
Classification: Benign. Last evaluated: 2025-12-29. Review status: criteria provided, single submitter. Criteria: Invitae Variant Classification Sherloc (09022015). Collection method: clinical testing. Allele origin: germline.

Blueprint Genetics
Classification: Likely benign. Last evaluated: 2024-10-29. Review status: criteria provided, single submitter. Criteria: ACMG Guidelines, 2015. Collection method: clinical testing. Allele origin: germline.

Ambry Genetics
Classification: Likely benign for Inborn genetic diseases. Last evaluated: 2022-02-15. Review status: criteria provided, single submitter. Criteria: Ambry Variant Classification Scheme 2023. Collection method: clinical testing. Allele origin: germline.

Illumina Laboratory Services, Illumina
Classification: Likely benign for Seckel syndrome 1. Last evaluated: 2018-01-13. Review status: criteria provided, single submitter. Criteria: ICSL Variant Classification Criteria 13 December 2019. Collection method: clinical testing. Allele origin: germline.
Comment: This variant was observed in the ICSL laboratory as part of a predisposition screen in an ostensibly healthy population. It had not been previously curated by ICSL or reported in the Human Gene Mutation Database (HGMD: prior to June 1st, 2018), and was therefore a candidate for classification through an automated scoring system. Utilizing variant allele frequency, disease prevalence and penetrance estimates, and inheritance mode, an automated score was calculated to assess if this variant is too frequent to cause the disease. Based on the score and internal cut-off values, a variant classified as likely benign is not then subjected to further curation. The score for this variant resulted in a classification of likely benign for this disease.

Genetic Services Laboratory, University of Chicago
Classification: Uncertain significance for Seckel syndrome 1. Last evaluated: 2013-03-04. Review status: criteria provided, single submitter. Criteria: ACMG Guidelines, 2007. Collection method: clinical testing. Allele origin: germline. Inheritance: Autosomal recessive inheritance.

NM_001184.4(ATR):c.2688G>A (p.Leu896=)

Gene: ATR (ATR checkpoint kinase; minus strand). Cytogenetic location: 3q23.
Variant type: single nucleotide variant.
Coding change: c.2688G>A on transcript NM_001184.4 (MANE Select); coding-DNA position 2688, G replaced by A.
Protein change: p.Leu896=; no amino-acid change (leucine 896 retained).
Molecular consequence: synonymous variant.
Genome position (GRCh38, 1-based): chr3:142,553,344, C>T on the plus strand (G>A on the coding strand, the complement: ATR is on the minus strand). VCF-style: chr3-142553344-C-T. GRCh37 (hg19) VCF-style: chr3-142272186-C-T.
Other names: c.2496G>A, p.Leu832= (NM_001354579.2).
Identifiers: ClinVar variation 157972 (VCV000157972.47), dbSNP rs117926957, ClinGen allele CA345970.